The following is an entry in ClinVar:

NM_004655.4(AXIN2):c.118G>A (p.Val40Met)

Gene: AXIN2 (axin 2; minus strand). Cytogenetic location: 17q24.1.
Variant type: single nucleotide variant.
Coding change: c.118G>A on transcript NM_004655.4 (MANE Select); coding-DNA position 118, G replaced by A.
Protein change: p.Val40Met; replaces valine 40 with methionine.
Molecular consequence: missense variant.
Genome position (GRCh38, 1-based): chr17:65,558,503, C>T on the plus strand (G>A on the coding strand, the complement: AXIN2 is on the minus strand). VCF-style: chr17-65558503-C-T. GRCh37 (hg19) VCF-style: chr17-63554621-C-T.
Other names: c.118G>A (LRG_296t1); c.118G>A, p.Val40Met (NM_001363813.1); short protein forms V40M.
Identifiers: ClinVar variation 464522 (VCV000464522.14), dbSNP rs1555583743, ClinGen allele CA400682135.
Genomic context (GRCh38, chr17:65,558,503, plus strand): 5'-CTTCGTTCCGCCTGGTGTTGGAAGAGACAGGCATGGGTTTGGTGACCTGGCCCTTGCCCA[C>T]CCCTGGCTGACACGGTGGGGTCTCCCCTTCTTCCCCTGGCACTGGGGGCCGCGGGGCATC-3'
Protein context (NP_004646.3, residues 30-50): EGETPPCQPG[Val40Met]GKGQVTKPMP

ClinVar aggregate classification (germline): Conflicting classifications of pathogenicity. Review status: criteria provided, conflicting classifications (1 of 4 stars). 4 submissions from 4 submitters: Uncertain significance (3); Likely benign (1). Last evaluated 2026-01-12.

Conditions:
Colorectal cancer. Also called: Malignant Colorectal Neoplasm; Colorectal cancer, somatic. Identifiers: MedGen C0346629, MONDO:0005575, OMIM 114500.
Oligodontia-cancer predisposition syndrome. Also called: TOOTH AGENESIS-COLORECTAL CANCER SYNDROME. Identifiers: Orphanet 300576, MedGen C1837750, MONDO:0012075, OMIM 608615. Disease mechanism: loss of function.
Hereditary cancer-predisposing syndrome. Also called: Neoplastic Syndromes, Hereditary; Tumor predisposition; Hereditary Cancer Syndrome; Hereditary neoplastic syndrome. Identifiers: Orphanet 140162, MedGen C0027672, MeSH D009386, MONDO:0015356.

gnomAD v4.1: 1 of 1,612,954 alleles (0.000062%); highest among the groups gnomAD compares: Non-Finnish European, 0.000085%; no homozygotes.

Submissions (4):

Women's Health and Genetics/Laboratory Corporation of America, LabCorp
Classification: Uncertain significance. Last evaluated: 2026-01-12. Review status: criteria provided, single submitter. Criteria: LabCorp Variant Classification Summary - May 2015. Collection method: clinical testing. Allele origin: germline.
Comment: Variant summary: AXIN2 c.118G>A (p.Val40Met) results in a conservative amino acid change in the encoded protein sequence. Algorithms developed to predict the effect of missense changes on protein structure and function all suggest that this variant is likely to be tolerated. The variant was absent in 249968 control chromosomes. The available data on variant occurrences in the general population are insufficient to allow any conclusion about variant significance. To our knowledge, no occurrence of c.118G>A in individuals affected with AXIN2-related conditions and no experimental evidence demonstrating its impact on protein function have been reported. ClinVar contains an entry for this variant (Variation ID: 464522). Based on the evidence outlined above, the variant was classified as uncertain significance.

Ambry Genetics
Classification: Likely benign for Hereditary cancer-predisposing syndrome. Last evaluated: 2025-07-23. Review status: criteria provided, single submitter. Criteria: Ambry Variant Classification Scheme 2023. Collection method: clinical testing. Allele origin: germline.

Labcorp Genetics (formerly Invitae), Labcorp
Classification: Uncertain significance for Oligodontia-cancer predisposition syndrome. Last evaluated: 2021-12-11. Review status: criteria provided, single submitter. Criteria: Invitae Variant Classification Sherloc (09022015). Collection method: clinical testing. Allele origin: germline.
Comment: Algorithms developed to predict the effect of missense changes on protein structure and function (SIFT, PolyPhen-2, Align-GVGD) all suggest that this variant is likely to be tolerated. ClinVar contains an entry for this variant (Variation ID: 464522). This variant has not been reported in the literature in individuals affected with AXIN2-related conditions. This variant is not present in population databases (gnomAD no frequency). This sequence change replaces valine, which is neutral and non-polar, with methionine, which is neutral and non-polar, at codon 40 of the AXIN2 protein (p.Val40Met). In summary, the available evidence is currently insufficient to determine the role of this variant in disease. Therefore, it has been classified as a Variant of Uncertain Significance.

Fulgent Genetics
Classification: Uncertain significance for Colorectal cancer; Oligodontia-cancer predisposition syndrome. Last evaluated: 2021-07-28. Review status: criteria provided, single submitter. Criteria: ACMG Guidelines, 2015. Collection method: clinical testing. Allele origin: unknown.